The following is an entry in ClinVar:

ClinVar aggregate classification (germline): Benign/Likely benign. Review status: criteria provided, multiple submitters, no conflicts (2 of 4 stars). 2 submissions from 2 submitters: Benign (1); Likely benign (1). Last evaluated 2026-06-12.

Conditions:
Inborn genetic diseases. Identifiers: MedGen C0950123, MeSH D030342.
Tumor predisposition syndrome 2 (TPDS2). Also called: MBD4-ASSOCIATED NEOPLASIA SYNDROME; MBD4-Related Tumor Predisposition Syndrome; MBD4-associated neoplasia syndrome (MANS). Identifiers: Orphanet 661526, MedGen C5774186, MONDO:0859267, OMIM 619975.

Submissions (2):

Myriad Genetics, Inc.
Classification: Benign for Tumor predisposition syndrome 2. Last evaluated: 2026-06-12. Review status: criteria provided, single submitter. Criteria: Myriad Autosomal Dominant, Autosomal Recessive and X-Linked Classification Criteria (2023). Collection method: clinical testing. Allele origin: unknown.
Comment: This variant is considered benign. This variant is a silent/synonymous amino acid change and it is not expected to impact splicing.

Ambry Genetics
Classification: Likely benign for Inborn genetic diseases. Last evaluated: 2025-07-12. Review status: criteria provided, single submitter. Criteria: Ambry Variant Classification Scheme 2023. Collection method: clinical testing. Allele origin: germline.

NM_001276270.2(MBD4):c.1692T>C (p.Leu564=)

Gene: MBD4 (methyl-CpG binding domain 4, DNA glycosylase; minus strand). Cytogenetic location: 3q21.3.
Variant type: single nucleotide variant.
Coding change: c.1692T>C on transcript NM_001276270.2 (MANE Select); coding-DNA position 1692, T replaced by C.
Protein change: p.Leu564=; no amino-acid change (leucine 564 retained).
Molecular consequence: synonymous variant. On other transcripts: 3 prime UTR variant (1).
Genome position (GRCh38, 1-based): chr3:129,431,534, A>G on the plus strand (T>C on the coding strand, the complement: MBD4 is on the minus strand). VCF-style: chr3-129431534-A-G. GRCh37 (hg19) VCF-style: chr3-129150377-A-G.
Other names: c.*34T>C (NM_001276272.2); c.756T>C, p.Leu252= (NM_001276273.2); c.1710T>C, p.Leu570= (NM_003925.3).
Identifiers: ClinVar variation 4104612 (VCV004104612.2).